The following is an entry in ClinVar:

ClinVar aggregate classification (germline): Likely benign (1 of 4 stars; one submission).

Allele frequency attached by ClinVar (database versions not stated): TOPMed 0.00008; 1000 Genomes Project 30x 0.00047; ExAC 0.00055.
gnomAD v4.1: 67 of 417,486 alleles (0.016%); highest among the groups gnomAD compares: South Asian, 0.068%; no homozygotes.

Submission:

GeneDx
Classification: Likely benign. Last evaluated: 2017-10-12. Review status: criteria provided, single submitter. Criteria: GeneDx Variant Classification (06012015). Collection method: clinical testing. Allele origin: germline. Affected: yes.
Comment: This variant is considered likely benign or benign based on one or more of the following criteria: it is a conservative change, it occurs at a poorly conserved position in the protein, it is predicted to be benign by multiple in silico algorithms, and/or has population frequency not consistent with disease.

NM_001614.5(ACTG1):c.-46C>T

Gene: ACTG1 (actin gamma 1; minus strand). Cytogenetic location: 17q25.3.
Variant type: single nucleotide variant.
Coding change: c.-46C>T on transcript NM_001614.5 (MANE Select); 46 bases upstream of the start codon, C replaced by T.
Molecular consequence: 5 prime UTR variant. On other transcripts: non-coding transcript variant (1).
Genome position (GRCh38, 1-based): chr17:81,512,773, G>A on the plus strand (C>T on the coding strand, the complement: ACTG1 is on the minus strand). VCF-style: chr17-81512773-G-A. GRCh37 (hg19) VCF-style: chr17-79479799-G-A.
Other names: c.-165C>T (NM_001199954.3).
Identifiers: ClinVar variation 512533 (VCV000512533.1), dbSNP rs781836332, ClinGen allele CA8836508.
Genomic context (GRCh38, chr17:81,512,773, plus strand): 5'-GCCCCGGGGCGGGGCGCTCACCGGCAGAGAAACGCGACGGCGGAGCGGCGGAAGAACAGA[G>A]TGCGAGAGCTGGCAGCGGCGACTGAGACCGACCGCGGCCTCCCCCGCCGTTATTTAAGCG-3'